The following is an entry in ClinVar:

ClinVar aggregate classification (germline): Uncertain significance. Review status: criteria provided, multiple submitters, no conflicts (2 of 4 stars). 3 submissions from 3 submitters: Uncertain significance (3). Last evaluated 2025-08-10.

Conditions:
Inborn genetic diseases. Identifiers: MedGen C0950123, MeSH D030342.

Allele frequency attached by ClinVar (database versions not stated): gnomAD exomes 0.00002; ExAC 0.00008; TOPMed 0.00047; 1000 Genomes Project 0.00060; 1000 Genomes Project 30x 0.00047; ESP Exome Variant Server 0.00015; gnomAD 0.00026.
gnomAD v4.1: 84 of 1,614,084 alleles (0.0052%); highest among the groups gnomAD compares: African/African-American, 0.047%; no homozygotes.

Submissions (3):

Ambry Genetics
Classification: Uncertain significance for Inborn genetic diseases. Last evaluated: 2025-08-10. Review status: criteria provided, single submitter. Criteria: Ambry Variant Classification Scheme 2023. Collection method: clinical testing. Allele origin: germline.

Labcorp Genetics (formerly Invitae), Labcorp
Classification: Uncertain significance. Last evaluated: 2025-02-03. Review status: criteria provided, single submitter. Criteria: Invitae Variant Classification Sherloc (09022015). Collection method: clinical testing. Allele origin: germline.
Comment: This sequence change replaces proline, which is neutral and non-polar, with leucine, which is neutral and non-polar, at codon 426 of the DHX37 protein (p.Pro426Leu). This variant is present in population databases (rs201552563, gnomAD 0.06%). This variant has not been reported in the literature in individuals affected with DHX37-related conditions. ClinVar contains an entry for this variant (Variation ID: 2057858). Invitae Evidence Modeling of protein sequence and biophysical properties (such as structural, functional, and spatial information, amino acid conservation, physicochemical variation, residue mobility, and thermodynamic stability) indicates that this missense variant is not expected to disrupt DHX37 protein function with a negative predictive value of 80%. In summary, the available evidence is currently insufficient to determine the role of this variant in disease. Therefore, it has been classified as a Variant of Uncertain Significance.

GeneDx
Classification: Uncertain significance. Last evaluated: 2023-10-25. Review status: criteria provided, single submitter. Criteria: GeneDx Variant Classification Process June 2021. Collection method: clinical testing. Allele origin: germline. Affected: yes.
Comment: In silico analysis supports that this missense variant has a deleterious effect on protein structure/function; Has not been previously published as pathogenic or benign to our knowledge

NM_032656.4(DHX37):c.1277C>T (p.Pro426Leu)

Gene: DHX37 (DEAH-box helicase 37; minus strand). Cytogenetic location: 12q24.31.
Variant type: single nucleotide variant.
Coding change: c.1277C>T on transcript NM_032656.4 (MANE Select); coding-DNA position 1277, C replaced by T.
Protein change: p.Pro426Leu; replaces proline 426 with leucine.
Molecular consequence: missense variant.
Genome position (GRCh38, 1-based): chr12:124,968,883, G>A on the plus strand (C>T on the coding strand, the complement: DHX37 is on the minus strand). VCF-style: chr12-124968883-G-A. GRCh37 (hg19) VCF-style: chr12-125453429-G-A.
Other names: c.1277C>T (NM_032656.3); short protein forms P426L.
Identifiers: ClinVar variation 2057858 (VCV002057858.6), dbSNP rs201552563, ClinGen allele CA6872127.
Genomic context (GRCh38, chr12:124,968,883, plus strand): 5'-CTTGTGCCATCCAAGCTCACAGAGGACATGGGACCCTGTGTTACCTTGATGACCGGCGGC[G>A]GCTTGGCGAAGAGCCGTGGGTTCTGGGTGAAGTCCTCCACCCGCAGCGTGGCCGACATGA-3'
Protein context (NP_116045.2, residues 416-436): FTQNPRLFAK[Pro426Leu]PPVIKVESRQ